The following is an entry in ClinVar:

NM_001448.3(GPC4):c.1028C>T (p.Pro343Leu)

Gene: GPC4 (glypican 4; minus strand). Cytogenetic location: Xq26.2.
Variant type: single nucleotide variant.
Coding change: c.1028C>T on transcript NM_001448.3 (MANE Select); coding-DNA position 1028, C replaced by T.
Protein change: p.Pro343Leu; replaces proline 343 with leucine.
Molecular consequence: missense variant.
Genome position (GRCh38, 1-based): chrX:133,305,899, G>A on the plus strand (C>T on the coding strand, the complement: GPC4 is on the minus strand). VCF-style: chrX-133305899-G-A. GRCh37 (hg19) VCF-style: chrX-132439927-G-A.
Other names: short protein forms P343L.
Identifiers: ClinVar variation 2581373 (VCV002581373.2), dbSNP rs1256774659, ClinGen allele CA414692079.

ClinVar aggregate classification (germline): Uncertain significance. Review status: criteria provided, multiple submitters, no conflicts (2 of 4 stars). 2 submissions from 2 submitters: Uncertain significance (2). Last evaluated 2025-02-19.

Conditions:
Inborn genetic diseases. Identifiers: MedGen C0950123, MeSH D030342.

Allele frequency attached by ClinVar (database versions not stated): gnomAD 0.00001; gnomAD exomes 0.00001; TOPMed 0.00005.
gnomAD v4.1: 17 of 1,209,159 alleles (0.0014%); highest among the groups gnomAD compares: East Asian, 0.003%; no homozygotes.

Submissions (2):

Ambry Genetics
Classification: Uncertain significance for Inborn genetic diseases. Last evaluated: 2025-02-19. Review status: criteria provided, single submitter. Criteria: Ambry Variant Classification Scheme 2023. Collection method: clinical testing. Allele origin: germline.

Women's Health and Genetics/Laboratory Corporation of America, LabCorp
Classification: Uncertain significance. Last evaluated: 2023-08-25. Review status: criteria provided, single submitter. Criteria: LabCorp Variant Classification Summary - May 2015. Collection method: clinical testing. Allele origin: germline.
Comment: Variant summary: GPC4 c.1028C>T (p.Pro343Leu) results in a non-conservative amino acid change in the encoded protein sequence. Three of five in-silico tools predict a benign effect of the variant on protein function. The variant allele was found at a frequency of 5.5e-06 in 182276 control chromosomes (gnomAD). The available data on variant occurrences in the general population are insufficient to allow any conclusion about variant significance. To our knowledge, no occurrence of c.1028C>T in individuals affected with Keipert Syndrome and no experimental evidence demonstrating its impact on protein function have been reported. No submitters have cited clinical-significance assessments for this variant to ClinVar after 2014. Based on the evidence outlined above, the variant was classified as uncertain significance.